The following is an entry in ClinVar:

NM_020458.4(TTC7A):c.837C>A (p.Phe279Leu)

Gene: TTC7A (tetratricopeptide repeat domain 7A; plus strand). Cytogenetic location: 2p21.
Variant type: single nucleotide variant.
Coding change: c.837C>A on transcript NM_020458.4 (MANE Select); coding-DNA position 837, C replaced by A.
Protein change: p.Phe279Leu; replaces phenylalanine 279 with leucine.
Molecular consequence: missense variant. On other transcripts: 5 prime UTR variant (1).
Genome position (GRCh38, 1-based): chr2:46,993,522, C>A. VCF-style: chr2-46993522-C-A. GRCh37 (hg19) VCF-style: chr2-47220661-C-A.
Other names: c.837C>A, p.Phe279Leu (NM_001288951.2); c.735C>A, p.Phe245Leu (NM_001288953.2); c.-68C>A (NM_001288955.2); c.837C>A (NM_020458.2); short protein forms F245L, F279L.
Identifiers: ClinVar variation 1006803 (VCV001006803.8), dbSNP rs760569935, ClinGen allele CA1647368.
Genomic context (GRCh38, chr2:46,993,522, plus strand): 5'-GGGCATGAGAGAGCTCCGGGAGGTGCTGCGGACTGTGGAGACCAAAGCAACTCAGAACTT[C>A]AAAGTGGTAATGTGGGGTGCTGGCAGTGCTGGCTTATTTAGGAGTCAGCTTTGGTGGGAG-3'
Protein context (NP_065191.2, residues 269-289): RTVETKATQN[Phe279Leu]KVMAAKHLAG

ClinVar aggregate classification (germline): Uncertain significance. Review status: criteria provided, multiple submitters, no conflicts (2 of 4 stars). 2 submissions from 2 submitters: Uncertain significance (2). Last evaluated 2024-10-24.

Conditions:
Inborn genetic diseases. Identifiers: MedGen C0950123, MeSH D030342.
Multiple gastrointestinal atresias. Also called: Multiple intestinal atresia; FAMILIAL INTESTINAL POLYATRESIA SYNDROME. Identifiers: Orphanet 2300, MedGen C0220744, MONDO:0009465.

Allele frequency attached by ClinVar (database versions not stated): ExAC 0.00001; gnomAD 0.00001; gnomAD exomes 0.00001; TOPMed 0.00001.
gnomAD v4.1: 21 of 1,613,996 alleles (0.0013%); highest among the groups gnomAD compares: Non-Finnish European, 0.0016%; no homozygotes.

Submissions (2):

Labcorp Genetics (formerly Invitae), Labcorp
Classification: Uncertain significance for Multiple gastrointestinal atresias. Last evaluated: 2024-10-24. Review status: criteria provided, single submitter. Criteria: Invitae Variant Classification Sherloc (09022015). Collection method: clinical testing. Allele origin: germline.
Comment: This sequence change replaces phenylalanine, which is neutral and non-polar, with leucine, which is neutral and non-polar, at codon 279 of the TTC7A protein (p.Phe279Leu). This variant is present in population databases (rs760569935, gnomAD 0.002%). This variant has not been reported in the literature in individuals affected with TTC7A-related conditions. ClinVar contains an entry for this variant (Variation ID: 1006803). Invitae Evidence Modeling of protein sequence and biophysical properties (such as structural, functional, and spatial information, amino acid conservation, physicochemical variation, residue mobility, and thermodynamic stability) indicates that this missense variant is not expected to disrupt TTC7A protein function with a negative predictive value of 80%. In summary, the available evidence is currently insufficient to determine the role of this variant in disease. Therefore, it has been classified as a Variant of Uncertain Significance.

Ambry Genetics
Classification: Uncertain significance for Inborn genetic diseases. Last evaluated: 2022-11-08. Review status: criteria provided, single submitter. Criteria: Ambry Variant Classification Scheme 2023. Collection method: clinical testing. Allele origin: germline.